The following is an entry in ClinVar:

NM_000038.6(APC):c.1130A>C (p.Lys377Thr)

Gene: APC (APC regulator of Wnt signaling pathway; plus strand). Cytogenetic location: 5q22.2.
Variant type: single nucleotide variant.
Coding change: c.1130A>C on transcript NM_000038.6 (MANE Select); coding-DNA position 1130, A replaced by C.
Protein change: p.Lys377Thr; replaces lysine 377 with threonine.
Molecular consequence: missense variant. On other transcripts: non-coding transcript variant (2), intron variant (15).
Genome position (GRCh38, 1-based): chr5:112,819,162, A>C. VCF-style: chr5-112819162-A-C. GRCh37 (hg19) VCF-style: chr5-112154859-A-C.
Other names: c.281A>C, p.Lys94Thr (NM_001407470.1, NM_001354906.2); c.85-107A>C (NM_001407472.1, NM_001407471.1); c.934-107A>C (NM_001407455.1, NM_001407458.1, NM_001407456.1 and 5 more transcripts); c.859-107A>C (NM_001354904.2); c.964-107A>C (NM_001354902.2); c.850-107A>C (NM_001407469.1, NM_001407467.1); c.1130A>C, p.Lys377Thr (NM_001127510.3, NM_001354895.2, NM_001354896.2 and 4 more transcripts); c.1076A>C, p.Lys359Thr (NM_001127511.3); and 5 more; short protein forms K352T, K359T, K94T, K377T, K318T, K349T, K387T.
Identifiers: ClinVar variation 3881413 (VCV003881413.1).

ClinVar aggregate classification (germline): Uncertain significance (1 of 4 stars; one submission).

Conditions:
Hereditary cancer-predisposing syndrome. Also called: Tumor predisposition; Neoplastic Syndromes, Hereditary; Hereditary Cancer Syndrome; Hereditary neoplastic syndrome. Identifiers: Orphanet 140162, MedGen C0027672, MeSH D009386, MONDO:0015356.

Submission:

Ambry Genetics
Classification: Uncertain significance for Hereditary cancer-predisposing syndrome. Last evaluated: 2024-12-29. Review status: criteria provided, single submitter. Criteria: Ambry Variant Classification Scheme 2023. Collection method: clinical testing. Allele origin: germline.
Comment: The p.K377T variant (also known as c.1130A>C), located in coding exon 9 of the APC gene, results from an A to C substitution at nucleotide position 1130. The lysine at codon 377 is replaced by threonine, an amino acid with similar properties. This amino acid position is conserved. In addition, in silico predictors for this gene do not accurately predict pathogenicity. Based on the available evidence, the clinical significance of this variant remains unclear.